The following is an entry in ClinVar:

NM_001348484.3(RIMS2):c.2881C>G (p.Pro961Ala)

Gene: RIMS2 (regulating synaptic membrane exocytosis 2; plus strand). Cytogenetic location: 8q22.3.
Variant type: single nucleotide variant.
Coding change: c.2881C>G on transcript NM_001348484.3 (MANE Select); coding-DNA position 2881, C replaced by G.
Protein change: p.Pro961Ala; replaces proline 961 with alanine.
Molecular consequence: missense variant. On other transcripts: non-coding transcript variant (2).
Genome position (GRCh38, 1-based): chr8:103,942,881, C>G. VCF-style: chr8-103942881-C-G. GRCh37 (hg19) VCF-style: chr8-104955109-C-G.
Other names: c.2656C>G, p.Pro886Ala (NM_001100117.3); c.2173C>G, p.Pro725Ala (NM_001282881.2, NM_001348505.2); c.2608C>G, p.Pro870Ala (NM_001348485.2, NM_001348489.2, NM_001348493.2); c.2761C>G, p.Pro921Ala (NM_001348486.2); c.2620C>G, p.Pro874Ala (NM_001348487.2, NM_001348490.2, NM_001348492.2 and 1 more transcripts); c.2740C>G, p.Pro914Ala (NM_001348488.2, NM_001395653.1, NM_001395654.1); c.2869C>G, p.Pro957Ala (NM_001348491.2); c.2749C>G, p.Pro917Ala (NM_001348494.2, NM_001348497.2); and 4 more; short protein forms P694A, P886A, P890A, P914A, P725A, P874A, P884A, P961A.
Identifiers: ClinVar variation 3154377 (VCV003154377.2), dbSNP rs202000083, ClinGen allele CA4837161.

ClinVar aggregate classification (germline): Uncertain significance. Review status: criteria provided, multiple submitters, no conflicts (2 of 4 stars). 2 submissions from 2 submitters: Uncertain significance (2). Last evaluated 2024-11-12.

Allele frequency attached by ClinVar (database versions not stated): ExAC 0.00005; gnomAD 0.00007; ESP Exome Variant Server 0.00008; gnomAD exomes 0.00008; TOPMed 0.00009.
gnomAD v4.1: 145 of 1,613,370 alleles (0.009%); highest among the groups gnomAD compares: Middle Eastern, 0.26%; no homozygotes.

Submissions (2):

Women's Health and Genetics/Laboratory Corporation of America, LabCorp
Classification: Uncertain significance. Last evaluated: 2024-11-12. Review status: criteria provided, single submitter. Criteria: LabCorp Variant Classification Summary - May 2015. Collection method: clinical testing. Allele origin: germline.
Comment: Variant summary: RIMS2 c.2032C>G (p.Pro678Ala) results in a non-conservative amino acid change located in the PDZ domain (IPR001478) of the encoded protein sequence. Three of five in-silico tools predict a damaging effect of the variant on protein function. The variant allele was found at a frequency of 8.4e-05 in 249368 control chromosomes, predominantly at a frequency of 0.00014 within the Non-Finnish European subpopulation in the gnomAD database. This frequency is not significantly higher than estimated for a pathogenic variant in RIMS2 causing Cone-Rod Synaptic Disorder Syndrome, Congenital Nonprogressive, allowing no conclusion about variant significance. To our knowledge, no occurrence of c.2032C>G in individuals affected with Cone-Rod Synaptic Disorder Syndrome, Congenital Nonprogressive and no experimental evidence demonstrating its impact on protein function have been reported. ClinVar contains an entry for this variant (Variation ID: 3154377). Based on the evidence outlined above, the variant was classified as uncertain significance.

Ambry Genetics
Classification: Uncertain significance. Last evaluated: 2021-09-01. Review status: criteria provided, single submitter. Criteria: Ambry Variant Classification Scheme 2023. Collection method: clinical testing. Allele origin: germline.